The following is an entry in ClinVar:

NM_000236.3(LIPC):c.769del (p.Phe256_Leu257insTer)

Gene: LIPC (lipase C, hepatic type; plus strand). Cytogenetic location: 15q21.3.
Variant type: Deletion.
Coding change: c.769del on transcript NM_000236.3 (MANE Select); coding-DNA position 769, one base deleted (C; older notation c.769delC).
Protein change: p.Phe256_Leu257insTer.
Molecular consequence: nonsense.
Genome position (GRCh38, 1-based): chr15:58,545,936, C deleted; the last of 2 consecutive C bases (chr15:58,545,935-58,545,936); deleting either gives the same sequence. VCF-style (leftmost placement, unchanged base first): chr15-58545934-TC-T. GRCh37 (hg19) VCF-style: chr15-58838133-TC-T.
Identifiers: ClinVar variation 4728150 (VCV004728150.1).

ClinVar aggregate classification (germline): Uncertain significance (1 of 4 stars; one submission).

Submission:

Labcorp Genetics (formerly Invitae), Labcorp
Classification: Uncertain significance. Last evaluated: 2025-09-30. Review status: criteria provided, single submitter. Criteria: Invitae Variant Classification Sherloc (09022015). Collection method: clinical testing. Allele origin: germline.
Comment: This sequence change creates a premature translational stop signal (p.Leu257*) in the LIPC gene. It is expected to result in an absent or disrupted protein product. However, the current clinical and genetic evidence is not sufficient to establish whether loss-of-function variants in LIPC cause disease. This variant is not present in population databases (gnomAD no frequency). This variant has not been reported in the literature in individuals affected with LIPC-related conditions. Algorithms developed to predict the effect of sequence changes on RNA splicing suggest that this variant may disrupt the consensus splice site. In summary, the available evidence is currently insufficient to determine the role of this variant in disease. Therefore, it has been classified as a Variant of Uncertain Significance.